The following is an entry in ClinVar:

ClinVar aggregate classification (germline): Pathogenic (1 of 4 stars; one submission).

Conditions:
Ehlers-Danlos syndrome due to tenascin-X deficiency (EDSCLL1). Also called: Ehlers-Danlos syndrome, classic-like, 1; EHLERS-DANLOS SYNDROME, CLASSIC-LIKE; TNXB-Related Classical-Like Ehlers-Danlos Syndrome; EDS DUE TO TNX DEFICIENCY; TNX DEFICIENCY. Identifiers: Orphanet 230839, MedGen C1848029, MONDO:0011670, OMIM 606408.

Submission:

Myriad Genetics, Inc.
Classification: Pathogenic for Ehlers-Danlos syndrome due to tenascin-X deficiency. Last evaluated: 2025-03-20. Review status: criteria provided, single submitter. Criteria: Myriad Autosomal Dominant, Autosomal Recessive and X-Linked Classification Criteria (2023). Collection method: clinical testing. Allele origin: unknown.
Comment: NM_019105.6(TNXB):c.3951delC(G1318Afs*10) is expected to be pathogenic in the context of classical-like Ehlers-Danlos syndrome, TNXB-related. This variant is predicted to lead to an abnormal or absent protein product due to the creation of a premature termination codon in TNXB, a gene where loss-of-function variants are known to be pathogenic. Please note: this variant was assessed in the context of healthy population screening.

NM_001365276.2(TNXB):c.3951del (p.Gly1318fs)

Gene: TNXB (tenascin XB; minus strand). Cytogenetic location: 6p21.33.
Variant type: Deletion.
Coding change: c.3951del on transcript NM_001365276.2 (MANE Select); coding-DNA position 3951, one base deleted (C; older notation c.3951delC).
Protein change: p.Gly1318fs; shifts the reading frame from glycine 1318.
Molecular consequence: frameshift variant.
Genome position (GRCh38, 1-based): chr6:32,081,459, G deleted on the plus strand (C on the coding strand, the reverse complement: TNXB is on the minus strand); the first of 4 consecutive G bases (chr6:32,081,459-32,081,462); deleting any one gives the same sequence. VCF-style (leftmost placement, unchanged base first): chr6-32081458-CG-C. GRCh37 (hg19) VCF-style: chr6-32049235-CG-C.
Other names: c.4692del, p.Gly1565fs (NM_001428335.1); c.3951del, p.Gly1318fs (NM_019105.8); short protein forms G1318fs, G1565fs.
Identifiers: ClinVar variation 5014232 (VCV005014232.1).
Genomic context (GRCh38, chr6:32,081,458, plus strand): 5'-CACGCTGCCTGCCACGAAGCCCGTAGAGGTTCATCTTATACTTCCGGTCGGGATCCAGGC[CG>C]GGGACAGTAACCTCATTCTCATCCCCCGCAACAGGCACTGCCTGGGGCTGCCCCTGTGCA-3'